The following is an entry in ClinVar:

NM_001257293.2(HNRNPH1):c.931C>A (p.Pro311Thr)

Genes: HNRNPH1 (heterogeneous nuclear ribonucleoprotein H1; minus strand), LOC128966623 (uncharacterized protein C5orf60; plus strand). Cytogenetic location: 5q35.3.
Variant type: single nucleotide variant.
Coding change: c.931C>A on transcript NM_001257293.2 (MANE Select); coding-DNA position 931, C replaced by A.
Protein change: p.Pro311Thr; replaces proline 311 with threonine.
Molecular consequence: missense variant.
Genome position (GRCh38, 1-based): chr5:179,617,640, G>T on the plus strand (C>A on the coding strand, the complement: HNRNPH1 is on the minus strand). VCF-style: chr5-179617640-G-T. GRCh37 (hg19) VCF-style: chr5-179044641-G-T.
Other names: c.931C>A, p.Pro311Thr (NM_001363572.2, NM_001364225.2, NM_001364226.2 and 18 more transcripts); c.910C>A, p.Pro304Thr (NM_001364240.2, NM_001364241.2, NM_001364242.2 and 2 more transcripts); c.775C>A, p.Pro259Thr (NM_001364250.2); c.328C>A, p.Pro110Thr (NM_001364251.2, NM_001364252.2, NM_001364253.2 and 2 more transcripts); short protein forms P110T, P259T, P304T, P311T.
Identifiers: ClinVar variation 1311132 (VCV001311132.2), dbSNP rs2127628178, ClinGen allele CA362437652.
Genomic context (GRCh38, chr5:179,617,640, plus strand): 5'-CTTCACCAGTTACTCTGCCATCAGGACCAATTTCAATGTGTACTCTCACAGGGTTGAGCG[G>T]TGAAAAAAACTACAACACAAGGCATTTCAAAGAATTCAACCAACTTTCTAACGTTACAAA-3'
Protein context (NP_001244222.1, residues 301-321): TENDIYNFFS[Pro311Thr]LNPVRVHIEI

ClinVar aggregate classification (germline): Uncertain significance (1 of 4 stars; one submission).

Submission:

GeneDx
Classification: Uncertain significance. Last evaluated: 2020-01-18. Review status: criteria provided, single submitter. Criteria: GeneDx Variant Classification Process June 2021. Collection method: clinical testing. Allele origin: germline. Affected: yes.
Comment: Not observed in large population cohorts (Lek et al., 2016); In silico analysis, which includes protein predictors and evolutionary conservation, supports a deleterious effect; Has not been previously published as pathogenic or benign to our knowledge; Variants in candidate genes are classified as variants of uncertain significance in accordance with ACMG guidelines (Richards et al., 2015)